The following is an entry in ClinVar:

ClinVar aggregate classification (germline): Conflicting classifications of pathogenicity. Review status: criteria provided, conflicting classifications (1 of 4 stars). 2 submissions from 2 submitters: Uncertain significance (1); Likely benign (1). Last evaluated 2023-04-01.

Conditions:
Nemaline myopathy 2 (NEM2). Also called: Nemaline myopathy 2, autosomal recessive. Identifiers: MedGen C1850569, MONDO:0009725, OMIM 256030.

Allele frequency attached by ClinVar (database versions not stated): 1000 Genomes Project 30x 0.00016; TOPMed 0.00134; gnomAD 0.00295 and 0.00311; gnomAD exomes 0.00335.
gnomAD v4.1: 1,355 of 430,904 alleles (0.31%); highest among the groups gnomAD compares: Non-Finnish European, 0.34%; 11 homozygotes.

Submissions (2):

CeGaT Center for Human Genetics Tuebingen
Classification: Likely benign. Last evaluated: 2023-04-01. Review status: criteria provided, single submitter. Criteria: CeGaT Center For Human Genetics Tuebingen Variant Classification Criteria Version 2. Collection method: clinical testing. Allele origin: germline. Affected: yes. Observed: 3 variant alleles.
Comment: NEB: BS2

Illumina Laboratory Services, Illumina
Classification: Uncertain significance for Nemaline myopathy 2. Last evaluated: 2017-04-27. Review status: criteria provided, single submitter. Criteria: ICSL Variant Classification Criteria 13 December 2019. Collection method: clinical testing. Allele origin: germline.

NM_001164508.2(NEB):c.*201A>T

Genes: NEB (nebulin; minus strand), RIF1 (replication timing regulatory factor 1; plus strand). Cytogenetic location: 2q23.3.
Variant type: single nucleotide variant.
Coding change: c.*201A>T on transcript NM_001164508.2 (MANE Select); 201 bases downstream of the stop codon, A replaced by T.
Molecular consequence: 3 prime UTR variant.
Genome position (GRCh38, 1-based): chr2:151,485,559, T>A on the plus strand (A>T on the coding strand, the complement: NEB is on the minus strand). VCF-style: chr2-151485559-T-A. GRCh37 (hg19) VCF-style: chr2-152342073-T-A.
Other names: c.*201A>T (NM_001164507.2, NM_001271208.2, NM_004543.5).
Identifiers: ClinVar variation 893482 (VCV000893482.28), dbSNP rs190132249, ClinGen allele CA57655680.